The following is an entry in ClinVar:

NM_001009944.3(PKD1):c.10434C>T (p.Ala3478=)

Gene: PKD1 (polycystin 1, transient receptor potential channel interacting; minus strand). Cytogenetic location: 16p13.3.
Variant type: single nucleotide variant.
Coding change: c.10434C>T on transcript NM_001009944.3 (MANE Select); coding-DNA position 10434, C replaced by T.
Protein change: p.Ala3478=; no amino-acid change (alanine 3478 retained).
Molecular consequence: synonymous variant.
Genome position (GRCh38, 1-based): chr16:2,097,213, G>A on the plus strand (C>T on the coding strand, the complement: PKD1 is on the minus strand). VCF-style: chr16-2097213-G-A. GRCh37 (hg19) VCF-style: chr16-2147214-G-A.
Other names: c.10434C>T (NM_001009944.2); c.10431C>T, p.Ala3477= (NM_000296.4).
Identifiers: ClinVar variation 997350 (VCV000997350.29), dbSNP rs373880615, ClinGen allele CA7829583.
Genomic context (GRCh38, chr16:2,097,213, plus strand): 5'-GCTGAGCAGGTCCGTTTCCATGTGGGTGTCTTGGGTAGGGGCTGGGCTGCTGACCCCCTC[G>A]GCAAGGACCTGCTGGATCAGGTCTTCATCTAGAGGTACAGGAGGCATAGGGTGGGCCCAG-3'
Protein context (NP_001009944.3, residues 3468-3488): SDEDLIQQVL[Ala3478=]EGVSSPAPTQ

ClinVar aggregate classification (germline): Likely benign. Review status: criteria provided, multiple submitters, no conflicts (2 of 4 stars). 6 submissions from 6 submitters: Likely benign (5). 1 of the submissions does not count toward it. Last evaluated 2026-04-04.

Conditions:
Polycystic kidney disease, adult type (PKD1). Also called: Polycystic Kidney, Autosomal Dominant; POLYCYSTIC KIDNEY DISEASE, ADULT, TYPE I; Polycystic Kidney Disease 1, Autosomal Dominant; Polycystic kidney disease 1; Polycystic kidney disease 1, severe; POLYCYSTIC KIDNEY DISEASE 1 WITH OR WITHOUT POLYCYSTIC LIVER DISEASE. Identifiers: MedGen C3149841, MONDO:0008263, OMIM 173900.
PKD1-related disorder. Also called: PKD1-related condition.
Polycystic kidney disease. Also called: Kidney, Polycystic; Polycystic kidney dysplasia. Identifiers: MedGen C0022680, MeSH D007690, MONDO:0020642, HP:0000113.

Allele frequency attached by ClinVar (database versions not stated): gnomAD exomes 0.00021 and 0.00035; TOPMed 0.00029; gnomAD 0.00033 and 0.00034; ESP Exome Variant Server 0.00039; ExAC 0.00065.
gnomAD v4.1: 550 of 1,572,078 alleles (0.035%); highest among the groups gnomAD compares: Non-Finnish European, 0.044%; 1 homozygote.

Submissions (6):

PreventionGenetics, part of Exact Sciences
Classification: Likely benign for PKD1-related condition. Last evaluated: 2026-04-04. Review status: criteria provided, single submitter. Criteria: ACMG Guidelines, 2015. Collection method: clinical testing. Allele origin: germline.
Comment: This variant is classified as likely benign based on ACMG/AMP sequence variant interpretation guidelines (Richards et al. 2015 PMID: 25741868, with internal and published modifications).

Women's Health and Genetics/Laboratory Corporation of America, LabCorp
Classification: Likely benign. Last evaluated: 2025-03-14. Review status: criteria provided, single submitter. Criteria: LabCorp Variant Classification Summary - May 2015. Collection method: clinical testing. Allele origin: germline.

Blueprint Genetics
Classification: Likely benign. Last evaluated: 2024-09-20. Review status: criteria provided, single submitter. Criteria: ACMG Guidelines, 2015. Collection method: clinical testing. Allele origin: germline.

CeGaT Center for Human Genetics Tuebingen
Classification: Likely benign. Last evaluated: 2022-05-01. Review status: criteria provided, single submitter. Criteria: CeGaT Center For Human Genetics Tuebingen Variant Classification Criteria Version 2. Collection method: clinical testing. Allele origin: germline. Affected: yes. Observed: 1 variant allele.
Comment: PKD1: BP4, BP7

Fulgent Genetics
Classification: Likely benign for Polycystic kidney disease, adult type. Last evaluated: 2021-12-12. Review status: criteria provided, single submitter. Criteria: ACMG Guidelines, 2015. Collection method: clinical testing. Allele origin: unknown.

Department of Pathology and Laboratory Medicine, Sinai Health System
Classification: Likely benign for Polycystic Kidney disease. Review status: no assertion criteria provided. Collection method: clinical testing. Allele origin: unknown. Affected: yes. Study: The Canadian Open Genetics Repository (COGR). Not counted in ClinVar's aggregate classification.
Comment: The PKD1 p.Ala3478= variant was identified in 1 of 1286 proband chromosomes (frequency: 0.001) from individuals or families with ADPKD (Carrera 2016). The variant was also identified in dbSNP (ID: rs373880615) and the ADPKD Mutation Database (likely neutral). The variant was not identified in ClinVar, COGR, LOVD 3.0, or PKD1-LOVD databases. The variant was identified in control databases in 50 of 209674 chromosomes at a frequency of 0.000238 in the following populations: European in 46 of 90026 chromosomes (freq. 0.0005), African in 3 of 18588 chromosomes (freq. 0.0002), Latino in 1 of 27526 chromosomes (freq. 0.00004) increasing the likelihood this could be a low frequency benign variant (Genome Aggregation Consortium Feb 27, 2017). The p.Ala3478= variant is not expected to have clinical significance because it does not result in a change of amino acid and is not located in a known consensus splice site. In addition, in silico or computational prediction software programs (SpliceSiteFinder, MaxEntScan, NNSPLICE, GeneSplicer, HumanSpliceFinder) do not predict a difference in splicing. In summary, based on the above information, the clinical significance of this variant cannot be determined with certainty at this time although we would lean towards a more benign role for this variant. This variant is classified as likely benign.